The following is an entry in ClinVar:

ClinVar aggregate classification (germline): Uncertain significance. Review status: criteria provided, multiple submitters, no conflicts (2 of 4 stars). 2 submissions from 2 submitters: Uncertain significance (2). Last evaluated 2025-01-23.

Conditions:
Inborn genetic diseases. Identifiers: MedGen C0950123, MeSH D030342.

Allele frequency attached by ClinVar (database versions not stated): ExAC 0.00001; gnomAD 0.00004; ESP Exome Variant Server 0.00008.
gnomAD v4.1: 43 of 1,614,128 alleles (0.0027%); highest among the groups gnomAD compares: Middle Eastern, 0.016%; no homozygotes.

Submissions (2):

Ambry Genetics
Classification: Uncertain significance for Inborn genetic diseases. Last evaluated: 2025-01-23. Review status: criteria provided, single submitter. Criteria: Ambry Variant Classification Scheme 2023. Collection method: clinical testing. Allele origin: germline.

Labcorp Genetics (formerly Invitae), Labcorp
Classification: Uncertain significance. Last evaluated: 2022-03-23. Review status: criteria provided, single submitter. Criteria: Invitae Variant Classification Sherloc (09022015). Collection method: clinical testing. Allele origin: germline.
Comment: This sequence change replaces alanine, which is neutral and non-polar, with valine, which is neutral and non-polar, at codon 519 of the TRAPPC9 protein (p.Ala519Val). This variant is present in population databases (rs377644857, gnomAD 0.007%). This variant has not been reported in the literature in individuals affected with TRAPPC9-related conditions. Algorithms developed to predict the effect of missense changes on protein structure and function are either unavailable or do not agree on the potential impact of this missense change (SIFT: "Not Available"; PolyPhen-2: "Benign"; Align-GVGD: "Not Available"). In summary, the available evidence is currently insufficient to determine the role of this variant in disease. Therefore, it has been classified as a Variant of Uncertain Significance.

NM_001160372.4(TRAPPC9):c.1262C>T (p.Ala421Val)

Gene: TRAPPC9 (trafficking protein particle complex subunit 9; minus strand). Cytogenetic location: 8q24.3.
Variant type: single nucleotide variant.
Coding change: c.1262C>T on transcript NM_001160372.4 (MANE Select); coding-DNA position 1262, C replaced by T.
Protein change: p.Ala421Val; replaces alanine 421 with valine.
Molecular consequence: missense variant. On other transcripts: non-coding transcript variant (1).
Genome position (GRCh38, 1-based): chr8:140,371,053, G>A on the plus strand (C>T on the coding strand, the complement: TRAPPC9 is on the minus strand). VCF-style: chr8-140371053-G-A. GRCh37 (hg19) VCF-style: chr8-141381152-G-A.
Other names: c.1235C>T, p.Ala412Val (NM_001321646.2); c.1283C>T, p.Ala428Val (NM_001374682.1); c.1262C>T, p.Ala421Val (NM_001374683.1, NM_001374684.1, NM_031466.8); short protein forms A428V, A412V, A421V.
Identifiers: ClinVar variation 1775157 (VCV001775157.5), dbSNP rs377644857, ClinGen allele CA4893501.